The following is an entry in ClinVar:

ClinVar aggregate classification (germline): Pathogenic (1 of 4 stars; one submission).

Conditions:
Hereditary cancer-predisposing syndrome. Also called: Hereditary Cancer Syndrome; Hereditary neoplastic syndrome; Neoplastic Syndromes, Hereditary; Tumor predisposition. Identifiers: Orphanet 140162, MedGen C0027672, MeSH D009386, MONDO:0015356.

Submission:

Ambry Genetics
Classification: Pathogenic for Hereditary cancer-predisposing syndrome. Last evaluated: 2018-09-22. Review status: criteria provided, single submitter. Criteria: Ambry Variant Classification Scheme 2023. Collection method: clinical testing. Allele origin: germline.
Comment: The c.926delG pathogenic mutation, located in coding exon 8 of the APC gene, results from a deletion of one nucleotide at nucleotide position 926, causing a translational frameshift with a predicted alternate stop codon (p.G309Efs*27). This alteration is expected to result in loss of function by premature protein truncation or nonsense-mediated mRNA decay. As such, this alteration is interpreted as a disease-causing mutation.

NM_000038.6(APC):c.926del (p.Gly309fs)

Gene: APC (APC regulator of Wnt signaling pathway; plus strand). Cytogenetic location: 5q22.2.
Variant type: Deletion.
Coding change: c.926del on transcript NM_000038.6 (MANE Select); coding-DNA position 926, one base deleted (G; older notation c.926delG).
Protein change: p.Gly309fs; shifts the reading frame from glycine 309.
Molecular consequence: frameshift variant.
Genome position (GRCh38, 1-based): chr5:112,815,586, G deleted; the last of 3 consecutive G bases (chr5:112,815,584-112,815,586); deleting any one gives the same sequence. VCF-style (leftmost placement, unchanged base first): chr5-112815583-TG-T. GRCh37 (hg19) VCF-style: chr5-112151280-TG-T.
Other names: c.926del, p.Gly309fs (NM_001127510.3, NM_001354895.2, NM_001354896.2 and 1 more transcripts); c.872del, p.Gly291fs (NM_001127511.3); c.956del, p.Gly319fs (NM_001354897.2, NM_001354902.2); c.851del, p.Gly284fs (NM_001354898.2, NM_001354904.2); c.842del, p.Gly281fs (NM_001354899.2); c.749del, p.Gly250fs (NM_001354900.2, NM_001354901.2, NM_001354905.2); c.77del, p.Gly26fs (NM_001354906.2); c.956delG, p.Gly319Glufs (NM_001407446.1); and 5 more; short protein forms G250fs, G284fs, G309fs, G281fs, G291fs, G26fs, G319fs.
Identifiers: ClinVar variation 1766393 (VCV001766393.2), dbSNP rs2532973083, ClinGen allele CA2580072299.